The following is an entry in ClinVar:

ClinVar aggregate classification (germline): Conflicting classifications of pathogenicity. Review status: criteria provided, conflicting classifications (1 of 4 stars). 3 submissions from 3 submitters: Uncertain significance (2); Likely benign (1). Last evaluated 2025-10-27.

Conditions:
A2ML1-related disorder. Also called: A2ML1-related condition.

Allele frequency attached by ClinVar (database versions not stated): gnomAD 0.00001 and 0.00002; gnomAD exomes 0.00003 and 0.00008; TOPMed 0.00005; ExAC 0.00009; 1000 Genomes Project 0.00020; 1000 Genomes Project 30x 0.00031.
gnomAD v4.1: 45 of 1,614,094 alleles (0.0028%); highest among the groups gnomAD compares: Admixed American, 0.038%; no homozygotes.

Submissions (3):

Labcorp Genetics (formerly Invitae), Labcorp
Classification: Uncertain significance. Last evaluated: 2025-10-27. Review status: criteria provided, single submitter. Criteria: Invitae Variant Classification Sherloc (09022015). Collection method: clinical testing. Allele origin: germline.
Comment: This sequence change replaces proline, which is neutral and non-polar, with leucine, which is neutral and non-polar, at codon 428 of the A2ML1 protein (p.Pro428Leu). This variant is present in population databases (rs200670981, gnomAD 0.05%). This variant has not been reported in the literature in individuals affected with A2ML1-related conditions. ClinVar contains an entry for this variant (Variation ID: 944295). An algorithm developed to predict the effect of missense changes on protein structure and function outputs the following: PolyPhen-2: "Benign". The leucine amino acid residue is found in multiple mammalian species, which suggests that this missense change does not adversely affect protein function. In summary, the available evidence is currently insufficient to determine the role of this variant in disease. Therefore, it has been classified as a Variant of Uncertain Significance.

Ambry Genetics
Classification: Uncertain significance. Last evaluated: 2025-07-24. Review status: criteria provided, single submitter. Criteria: Ambry Variant Classification Scheme 2023. Collection method: clinical testing. Allele origin: germline.
Comment: The p.P428L variant (also known as c.1283C>T), located in coding exon 12 of the A2ML1 gene, results from a C to T substitution at nucleotide position 1283. The proline at codon 428 is replaced by leucine, an amino acid with similar properties. This amino acid position is conserved. In addition, this alteration is predicted to be tolerated by in silico analysis. Since supporting evidence is limited at this time, the clinical significance of this alteration remains unclear.

PreventionGenetics, part of Exact Sciences
Classification: Likely benign for A2ML1-related condition. Last evaluated: 2025-03-03. Review status: criteria provided, single submitter. Criteria: ACMG Guidelines, 2015. Collection method: clinical testing. Allele origin: germline.
Comment: This variant is classified as likely benign based on ACMG/AMP sequence variant interpretation guidelines (Richards et al. 2015 PMID: 25741868, with internal and published modifications).

NM_144670.6(A2ML1):c.1283C>T (p.Pro428Leu)

Gene: A2ML1 (alpha-2-macroglobulin like 1; plus strand). Cytogenetic location: 12p13.31.
Variant type: single nucleotide variant.
Coding change: c.1283C>T on transcript NM_144670.6 (MANE Select); coding-DNA position 1283, C replaced by T.
Protein change: p.Pro428Leu; replaces proline 428 with leucine.
Molecular consequence: missense variant.
Genome position (GRCh38, 1-based): chr12:8,843,168, C>T. VCF-style: chr12-8843168-C-T. GRCh37 (hg19) VCF-style: chr12-8995764-C-T.
Other names: c.1283C>T (NM_144670.3, NM_144670.5); short protein forms P428L.
Identifiers: ClinVar variation 944295 (VCV000944295.12), dbSNP rs200670981, ClinGen allele CA6435613.